The following is an entry in ClinVar:

NM_001267550.2(TTN):c.94817G>A (p.Arg31606Gln)

Genes: TTN (titin; minus strand), TTN-AS1 (TTN antisense RNA 1; plus strand). Cytogenetic location: 2q31.2.
Variant type: single nucleotide variant.
Coding change: c.94817G>A on transcript NM_001267550.2 (MANE Select); coding-DNA position 94817, G replaced by A.
Protein change: p.Arg31606Gln; replaces arginine 31606 with glutamine.
Molecular consequence: missense variant.
Genome position (GRCh38, 1-based): chr2:178,546,611, C>T on the plus strand (G>A on the coding strand, the complement: TTN is on the minus strand). VCF-style: chr2-178546611-C-T. GRCh37 (hg19) VCF-style: chr2-179411338-C-T.
Other names: c.89894G>A, p.Arg29965Gln (NM_001256850.1); c.67622G>A, p.Arg22541Gln (NM_003319.4); c.87113G>A, p.Arg29038Gln (NM_133378.4); c.67997G>A, p.Arg22666Gln (NM_133432.3); c.68198G>A, p.Arg22733Gln (NM_133437.4); short protein forms R29038Q, R31606Q, R22541Q, R22666Q, R22733Q, R29965Q.
Identifiers: ClinVar variation 808912 (VCV000808912.45), dbSNP rs371840978, ClinGen allele CA1987074.

ClinVar aggregate classification (germline): Uncertain significance. Review status: criteria provided, multiple submitters, no conflicts (2 of 4 stars). 3 submissions from 3 submitters: Uncertain significance (3). Last evaluated 2026-08-07.

Conditions:
TTN-related disorder. Also called: TTN-related disorders; TTN-related condition; TTN-related disease.
Cardiovascular phenotype. Identifiers: MedGen CN230736.

Allele frequency attached by ClinVar (database versions not stated): gnomAD exomes 0.00001; gnomAD 0.00002 and 0.00003; ExAC 0.00003; TOPMed 0.00005; ESP Exome Variant Server 0.00017.
gnomAD v4.1: 23 of 1,608,482 alleles (0.0014%); highest among the groups gnomAD compares: African/African-American, 0.011%; no homozygotes.

Submissions (3):

PreventionGenetics, part of Exact Sciences
Classification: Uncertain significance for TTN-related condition. Last evaluated: 2026-08-07. Review status: criteria provided, single submitter. Criteria: ACMG Guidelines, 2015. Collection method: clinical testing. Allele origin: germline.
Comment: The TTN c.94817G>A variant is predicted to result in the amino acid substitution p.Arg31606Gln. To our knowledge, this variant has not been reported in the literature. This variant is reported in 0.013% of alleles in individuals of African descent in gnomAD. At this time, the clinical significance of this variant is uncertain due to the absence of conclusive functional and genetic evidence.

Ambry Genetics
Classification: Uncertain significance for Cardiovascular phenotype. Last evaluated: 2020-06-22. Review status: criteria provided, single submitter. Criteria: Ambry Variant Classification Scheme 2023. Collection method: clinical testing. Allele origin: germline.
Comment: The p.R22541Q variant (also known as c.67622G>A), located in coding exon 168 of the TTN gene, results from a G to A substitution at nucleotide position 67622. The arginine at codon 22541 is replaced by glutamine, an amino acid with highly similar properties. This amino acid position is not well conserved in available vertebrate species. In addition, this alteration is predicted to be tolerated by in silico analysis. Since supporting evidence is limited at this time, the clinical significance of this alteration remains unclear.

CeGaT Center for Human Genetics Tuebingen
Classification: Uncertain significance. Last evaluated: 2018-09-01. Review status: criteria provided, single submitter. Criteria: CeGaT Center For Human Genetics Tuebingen Variant Classification Criteria Version 2. Collection method: clinical testing. Allele origin: germline. Affected: yes. Observed: 1 variant allele.